The following is an entry in ClinVar:

NM_015102.5(NPHP4):c.2747T>C (p.Leu916Pro)

Gene: NPHP4 (nephrocystin 4; minus strand). Cytogenetic location: 1p36.31.
Variant type: single nucleotide variant.
Coding change: c.2747T>C on transcript NM_015102.5 (MANE Select); coding-DNA position 2747, T replaced by C.
Protein change: p.Leu916Pro; replaces leucine 916 with proline.
Molecular consequence: missense variant. On other transcripts: non-coding transcript variant (1).
Genome position (GRCh38, 1-based): chr1:5,877,163, A>G on the plus strand (T>C on the coding strand, the complement: NPHP4 is on the minus strand). VCF-style: chr1-5877163-A-G. GRCh37 (hg19) VCF-style: chr1-5937223-A-G.
Other names: c.1208T>C, p.Leu403Pro (NM_001291593.2); c.1211T>C, p.Leu404Pro (NM_001291594.2); short protein forms L403P, L404P, L916P.
Identifiers: ClinVar variation 4993086 (VCV004993086.1).

ClinVar aggregate classification (germline): Uncertain significance (1 of 4 stars; one submission).

Conditions:
NPHP4-related disorder. Also called: NPHP4-related condition; NPHP4-related disorders. Identifiers: MedGen CN239384.

gnomAD v4.1: 1 of 1,605,676 alleles (0.000062%); no homozygotes.

Submission:

PreventionGenetics, part of Exact Sciences
Classification: Uncertain significance for NPHP4-related condition. Last evaluated: 2025-11-26. Review status: criteria provided, single submitter. Criteria: ACMG Guidelines, 2015. Collection method: clinical testing. Allele origin: germline.
Comment: The NPHP4 c.2747T>C variant is predicted to result in the amino acid substitution p.Leu916Pro. To our knowledge, this variant has not been reported in the literature or in a large population database (gnomAD), indicating this variant is rare. At this time, the clinical significance of this variant is uncertain due to the absence of conclusive functional and genetic evidence.